The following is an entry in ClinVar:

NM_000541.5(SAG):c.648+6C>T

Gene: SAG (S-antigen visual arrestin; plus strand). Cytogenetic location: 2q37.1.
Variant type: single nucleotide variant.
Coding change: c.648+6C>T on transcript NM_000541.5 (MANE Select); 6 bases into the intron after coding-DNA position 648, C replaced by T.
Molecular consequence: intron variant.
Genome position (GRCh38, 1-based): chr2:233,328,619, C>T. VCF-style: chr2-233328619-C-T. GRCh37 (hg19) VCF-style: chr2-234237265-C-T.
Identifiers: ClinVar variation 2865750 (VCV002865750.3), dbSNP rs2469790148, ClinGen allele CA2739279859.

ClinVar aggregate classification (germline): Uncertain significance (1 of 4 stars; one submission).

Submission:

Labcorp Genetics (formerly Invitae), Labcorp
Classification: Uncertain significance. Last evaluated: 2023-05-19. Review status: criteria provided, single submitter. Criteria: Invitae Variant Classification Sherloc (09022015). Collection method: clinical testing. Allele origin: germline.
Comment: In summary, the available evidence is currently insufficient to determine the role of this variant in disease. Therefore, it has been classified as a Variant of Uncertain Significance. Variants that disrupt the consensus splice site are a relatively common cause of aberrant splicing (PMID: 17576681, 9536098). Algorithms developed to predict the effect of sequence changes on RNA splicing suggest that this variant is not likely to affect RNA splicing. This variant has not been reported in the literature in individuals affected with SAG-related conditions. This variant is not present in population databases (gnomAD no frequency). This sequence change falls in intron 8 of the SAG gene. It does not directly change the encoded amino acid sequence of the SAG protein. It affects a nucleotide within the consensus splice site.

Literature cited by the submitters: PubMed 17576681; PubMed 9536098.